The following is an entry in ClinVar:

ClinVar aggregate classification (germline): Uncertain significance (1 of 4 stars; one submission).

Conditions:
VPS13B-related disorder. Also called: VPS13B-related condition.

gnomAD v4.1: 3 of 1,613,974 alleles (0.00019%); highest among the groups gnomAD compares: South Asian, 0.0033%; no homozygotes.

Submission:

PreventionGenetics, part of Exact Sciences
Classification: Uncertain significance for VPS13B-related condition. Last evaluated: 2025-09-10. Review status: criteria provided, single submitter. Criteria: ACMG Guidelines, 2015. Collection method: clinical testing. Allele origin: germline.
Comment: The VPS13B c.6157C>G variant is predicted to result in the amino acid substitution p.His2053Asp. To our knowledge, this variant has not been reported in the literature or in a large population database (gnomAD), indicating this variant is rare. At this time, the clinical significance of this variant is uncertain due to the absence of conclusive functional and genetic evidence.

NM_152564.5(VPS13B):c.6157C>G (p.His2053Asp)

Gene: VPS13B (vacuolar protein sorting 13 homolog B; plus strand). Cytogenetic location: 8q22.2.
Variant type: single nucleotide variant.
Coding change: c.6157C>G on transcript NM_152564.5 (MANE Select); coding-DNA position 6157, C replaced by G.
Protein change: p.His2053Asp; replaces histidine 2053 with aspartic acid.
Molecular consequence: missense variant.
Genome position (GRCh38, 1-based): chr8:99,699,635, C>G. VCF-style: chr8-99699635-C-G. GRCh37 (hg19) VCF-style: chr8-100711863-C-G.
Other names: c.6232C>G, p.His2078Asp (NM_017890.5); short protein forms H2053D, H2078D.
Identifiers: ClinVar variation 4999287 (VCV004999287.1).